The following is an entry in ClinVar:

NM_001458.5(FLNC):c.109A>G (p.Ile37Val)

Gene: FLNC (filamin C; plus strand). Cytogenetic location: 7q32.1.
Variant type: single nucleotide variant.
Coding change: c.109A>G on transcript NM_001458.5 (MANE Select); coding-DNA position 109, A replaced by G.
Protein change: p.Ile37Val; replaces isoleucine 37 with valine.
Molecular consequence: missense variant.
Genome position (GRCh38, 1-based): chr7:128,830,746, A>G. VCF-style: chr7-128830746-A-G. GRCh37 (hg19) VCF-style: chr7-128470800-A-G.
Other names: c.109A>G, p.Ile37Val (NM_001127487.2); short protein forms I37V.
Identifiers: ClinVar variation 1994262 (VCV001994262.4), dbSNP rs2536605068, ClinGen allele CA369215776.

ClinVar aggregate classification (germline): Uncertain significance (1 of 4 stars; one submission).

Conditions:
Myofibrillar myopathy 5. Also called: FILAMINOPATHY, AUTOSOMAL DOMINANT; Filaminopathy (type). Identifiers: Orphanet 171445, MedGen C1836050, MONDO:0012289, OMIM 609524.
Distal myopathy with posterior leg and anterior hand involvement. Also called: WILLIAMS DISTAL MYOPATHY. Identifiers: Orphanet 63273, MedGen C3279722, MONDO:0013550, OMIM 614065.
Hypertrophic cardiomyopathy 26. Also called: Cardiomyopathy, familial hypertrophic, 26. Identifiers: Orphanet 75249, MedGen C4310749, MONDO:0014883, OMIM 617047.

Submission:

Labcorp Genetics (formerly Invitae), Labcorp
Classification: Uncertain significance for Distal myopathy with posterior leg and anterior hand involvement; Myofibrillar myopathy 5; Hypertrophic cardiomyopathy 26. Last evaluated: 2022-10-03. Review status: criteria provided, single submitter. Criteria: Invitae Variant Classification Sherloc (09022015). Collection method: clinical testing. Allele origin: germline.
Comment: In summary, the available evidence is currently insufficient to determine the role of this variant in disease. Therefore, it has been classified as a Variant of Uncertain Significance. Advanced modeling of protein sequence and biophysical properties (such as structural, functional, and spatial information, amino acid conservation, physicochemical variation, residue mobility, and thermodynamic stability) has been performed at Invitae for this missense variant, however the output from this modeling did not meet the statistical confidence thresholds required to predict the impact of this variant on FLNC protein function. This variant has not been reported in the literature in individuals affected with FLNC-related conditions. This variant is not present in population databases (gnomAD no frequency). This sequence change replaces isoleucine, which is neutral and non-polar, with valine, which is neutral and non-polar, at codon 37 of the FLNC protein (p.Ile37Val).